The following is an entry in ClinVar:

NM_005655.4(KLF10):c.941A>G (p.Lys314Arg)

Gene: KLF10 (KLF transcription factor 10; minus strand). Cytogenetic location: 8q22.3.
Variant type: single nucleotide variant.
Coding change: c.941A>G on transcript NM_005655.4 (MANE Select); coding-DNA position 941, A replaced by G.
Protein change: p.Lys314Arg; replaces lysine 314 with arginine.
Molecular consequence: missense variant.
Genome position (GRCh38, 1-based): chr8:102,651,391, T>C on the plus strand (A>G on the coding strand, the complement: KLF10 is on the minus strand). VCF-style: chr8-102651391-T-C. GRCh37 (hg19) VCF-style: chr8-103663619-T-C.
Other names: c.908A>G, p.Lys303Arg (NM_001032282.4); short protein forms K303R, K314R.
Identifiers: ClinVar variation 1521027 (VCV001521027.6), dbSNP rs148650585, ClinGen allele CA4833507.
Genomic context (GRCh38, chr8:102,651,391, plus strand): 5'-ACCACCGGAGGCTTTGAACTCTGCACAACGGGCTGGGGTACCACAAACATGACAGCGCCT[T>C]TGGGGACTTGTGTGCCCATGAACACAACAGGGGGGCAAACGGCTGGTGGCTGGCTGGGAG-3'
Protein context (NP_005646.1, residues 304-324): PVVFMGTQVP[Lys314Arg]GAVMFVVPQP

ClinVar aggregate classification (germline): Uncertain significance (1 of 4 stars; one submission).

Allele frequency attached by ClinVar (database versions not stated): ExAC 0.00005; gnomAD 0.00009; gnomAD exomes 0.00011 and 0.00016; TOPMed 0.00015; 1000 Genomes Project 30x 0.00016; 1000 Genomes Project 0.00020; ESP Exome Variant Server 0.00023.
gnomAD v4.1: 247 of 1,608,304 alleles (0.015%); highest among the groups gnomAD compares: Non-Finnish European, 0.019%; no homozygotes.

Submission:

Labcorp Genetics (formerly Invitae), Labcorp
Classification: Uncertain significance. Last evaluated: 2025-12-16. Review status: criteria provided, single submitter. Criteria: Invitae Variant Classification Sherloc (09022015). Collection method: clinical testing. Allele origin: germline.
Comment: This sequence change replaces lysine, which is basic and polar, with arginine, which is basic and polar, at codon 314 of the KLF10 protein (p.Lys314Arg). This variant is present in population databases (rs148650585, gnomAD 0.02%). This variant has not been reported in the literature in individuals affected with KLF10-related conditions. ClinVar contains an entry for this variant (Variation ID: 1521027). An algorithm developed to predict the effect of missense changes on protein structure and function (PolyPhen-2) suggests that this variant is likely to be disruptive. In summary, the available evidence is currently insufficient to determine the role of this variant in disease. Therefore, it has been classified as a Variant of Uncertain Significance.